The following is an entry in ClinVar:

NM_004431.5(EPHA2):c.2800G>A (p.Glu934Lys)

Gene: EPHA2 (EPH receptor A2; minus strand). Cytogenetic location: 1p36.13.
Variant type: single nucleotide variant.
Coding change: c.2800G>A on transcript NM_004431.5 (MANE Select); coding-DNA position 2800, G replaced by A.
Protein change: p.Glu934Lys; replaces glutamic acid 934 with lysine.
Molecular consequence: missense variant.
Genome position (GRCh38, 1-based): chr1:16,129,459, C>T on the plus strand (G>A on the coding strand, the complement: EPHA2 is on the minus strand). VCF-style: chr1-16129459-C-T. GRCh37 (hg19) VCF-style: chr1-16455954-C-T.
Other names: c.2638G>A, p.Glu880Lys (NM_001329090.2); short protein forms E880K, E934K.
Identifiers: ClinVar variation 3252894 (VCV003252894.1), dbSNP rs774131290.

ClinVar aggregate classification (germline): Uncertain significance (1 of 4 stars; one submission).

Allele frequency attached by ClinVar (database versions not stated): gnomAD exomes 0.00001; ExAC 0.00002; TOPMed 0.00002; gnomAD 0.00003.

Submission:

GeneDx
Classification: Uncertain significance. Last evaluated: 2023-06-07. Review status: criteria provided, single submitter. Criteria: GeneDx Variant Classification Process June 2021. Collection method: clinical testing. Allele origin: germline. Affected: yes.
Comment: Identified in a patient with bilateral congenital cataract, however, this patient also harbors a disease-causing variant in another gene (Li et al., 2016); In silico analysis supports that this missense variant has a deleterious effect on protein structure/function; This variant is associated with the following publications: (PMID: 35295853, 27307692)